The following is an entry in ClinVar:

NM_001077350.3(NPRL3):c.1213C>T (p.Gln405Ter)

Genes: HBA-LCR (alpha-globin locus control region; plus strand), NPRL3 (NPR3 like, GATOR1 complex subunit; minus strand). Cytogenetic location: 16p13.3.
Variant type: single nucleotide variant.
Coding change: c.1213C>T on transcript NM_001077350.3 (MANE Select); coding-DNA position 1213, C replaced by T.
Protein change: p.Gln405Ter; replaces glutamine 405 with a stop codon.
Molecular consequence: nonsense.
Genome position (GRCh38, 1-based): chr16:89,851, G>A on the plus strand (C>T on the coding strand, the complement: NPRL3 is on the minus strand). VCF-style: chr16-89851-G-A. GRCh37 (hg19) VCF-style: chr16-139849-G-A.
Other names: c.676C>T, p.Gln226Ter (NM_001039476.3); c.979C>T, p.Gln327Ter (NM_001243247.2); c.1138C>T, p.Gln380Ter (NM_001243248.2, NM_001243249.2); short protein forms Q327*, Q380*, Q405*, Q226*.
Identifiers: ClinVar variation 943684 (VCV000943684.24), dbSNP rs1898688345, ClinGen allele CA394051369.

ClinVar aggregate classification (germline): Pathogenic. Review status: criteria provided, multiple submitters, no conflicts (2 of 4 stars). 3 submissions from 3 submitters: Pathogenic (3). Last evaluated 2024-06-05.

Conditions:
Epilepsy, familial focal, with variable foci 3 (FFEVF3). Identifiers: MedGen C4310708, MONDO:0014925, OMIM 617118.

Submissions (3):

Palindrome, Gene Kavoshgaran Aria
Classification: Pathogenic for Epilepsy, familial focal, with variable foci 3. Last evaluated: 2024-06-05. Review status: criteria provided, single submitter. Criteria: ACMG Guidelines, 2015. Collection method: clinical testing. Allele origin: germline. Inheritance: Autosomal dominant inheritance. Affected: yes. Observed: 1 heterozygote.

CeGaT Center for Human Genetics Tuebingen
Classification: Pathogenic. Last evaluated: 2024-01-01. Review status: criteria provided, single submitter. Criteria: CeGaT Center For Human Genetics Tuebingen Variant Classification Criteria Version 2. Collection method: clinical testing. Allele origin: germline. Affected: yes. Observed: 1 variant allele.
Comment: NPRL3: PVS1, PM2

Labcorp Genetics (formerly Invitae), Labcorp
Classification: Pathogenic for Epilepsy, familial focal, with variable foci 3. Last evaluated: 2019-09-20. Review status: criteria provided, single submitter. Criteria: Invitae Variant Classification Sherloc (09022015). Collection method: clinical testing. Allele origin: germline.
Comment: This sequence change creates a premature translational stop signal (p.Gln405*) in the NPRL3 gene. It is expected to result in an absent or disrupted protein product. This variant is not present in population databases (ExAC no frequency). This variant has not been reported in the literature in individuals with NPRL3-related conditions. Loss-of-function variants in NPRL3 are known to be pathogenic (PMID: 26285051, 26505888). For these reasons, this variant has been classified as Pathogenic.